The following is an entry in ClinVar:

NM_000535.7(PMS2):c.873T>C (p.Phe291=)

Gene: PMS2 (PMS1 homolog 2, mismatch repair system component; minus strand). Cytogenetic location: 7p22.1.
Variant type: single nucleotide variant.
Coding change: c.873T>C on transcript NM_000535.7 (MANE Select); coding-DNA position 873, T replaced by C.
Protein change: p.Phe291=; no amino-acid change (phenylalanine 291 retained).
Molecular consequence: synonymous variant. On other transcripts: 5 prime UTR variant (2), non-coding transcript variant (1), intron variant (4).
Genome position (GRCh38, 1-based): chr7:5,995,564, A>G on the plus strand (T>C on the coding strand, the complement: PMS2 is on the minus strand). VCF-style: chr7-5995564-A-G. GRCh37 (hg19) VCF-style: chr7-6035195-A-G.
Other names: c.468T>C, p.Phe156= (NM_001018040.1, NM_001322003.2, NM_001322004.2 and 20 more transcripts); c.873T>C, p.Phe291= (NM_001322006.2, NM_001322014.2, NM_001406870.1 and 2 more transcripts); c.555T>C, p.Phe185= (NM_001322007.2, NM_001322008.2, NM_001406876.1 and 4 more transcripts); c.-61T>C (NM_001322011.2, NM_001322012.2); c.300T>C, p.Phe100= (NM_001322013.2, NM_001406909.1); c.564T>C, p.Phe188= (NM_001322015.2, NM_001406875.1, NM_001406877.1 and 6 more transcripts); c.1059T>C, p.Phe353= (NM_001406866.1); c.897T>C, p.Phe299= (NM_001406868.1); and 8 more.
Identifiers: ClinVar variation 2800576 (VCV002800576.4), dbSNP rs2128775036, ClinGen allele CA453645784.

ClinVar aggregate classification (germline): Conflicting classifications of pathogenicity. Review status: criteria provided, conflicting classifications (1 of 4 stars). 2 submissions from 2 submitters: Uncertain significance (1); Likely benign (1). Last evaluated 2026-01-27.

Conditions:
Hereditary cancer-predisposing syndrome. Also called: Tumor predisposition; Neoplastic Syndromes, Hereditary; Hereditary Cancer Syndrome; Hereditary neoplastic syndrome. Identifiers: Orphanet 140162, MedGen C0027672, MeSH D009386, MONDO:0015356.
Hereditary nonpolyposis colorectal neoplasms. Identifiers: MedGen C0009405, MeSH D003123.

Submissions (2):

Ambry Genetics
Classification: Likely benign for Hereditary cancer-predisposing syndrome. Last evaluated: 2026-01-27. Review status: criteria provided, single submitter. Criteria: Ambry Variant Classification Scheme 2023. Collection method: clinical testing. Allele origin: germline.

Labcorp Genetics (formerly Invitae), Labcorp
Classification: Uncertain significance for Hereditary nonpolyposis colorectal neoplasms. Last evaluated: 2022-12-01. Review status: criteria provided, single submitter. Criteria: Invitae Variant Classification Sherloc (09022015). Collection method: clinical testing. Allele origin: germline.
Comment: In summary, the available evidence is currently insufficient to determine the role of this variant in disease. Therefore, it has been classified as a Variant of Uncertain Significance. Algorithms developed to predict the effect of sequence changes on RNA splicing suggest that this variant may create or strengthen a splice site. This variant has not been reported in the literature in individuals affected with PMS2-related conditions. This variant is not present in population databases (gnomAD no frequency). This sequence change affects codon 291 of the PMS2 mRNA. It is a 'silent' change, meaning that it does not change the encoded amino acid sequence of the PMS2 protein.